The following is an entry in ClinVar:

ClinVar aggregate classification (germline): Uncertain significance (1 of 4 stars; one submission).

Conditions:
Chédiak-Higashi syndrome (CHS). Also called: Chediak-Higashi Syndrome. Identifiers: Orphanet 167, MedGen C0007965, MONDO:0008963, OMIM 214500.

gnomAD v4.1: 1 of 1,614,176 alleles (0.000062%); highest among the groups gnomAD compares: Admixed American, 0.0017%; no homozygotes.

Submission:

Labcorp Genetics (formerly Invitae), Labcorp
Classification: Uncertain significance for Chédiak-Higashi syndrome. Last evaluated: 2022-07-19. Review status: criteria provided, single submitter. Criteria: Invitae Variant Classification Sherloc (09022015). Collection method: clinical testing. Allele origin: germline.
Comment: This sequence change replaces valine, which is neutral and non-polar, with leucine, which is neutral and non-polar, at codon 2199 of the LYST protein (p.Val2199Leu). This variant is present in population databases (no rsID available, gnomAD 0.006%). This variant has not been reported in the literature in individuals affected with LYST-related conditions. Algorithms developed to predict the effect of missense changes on protein structure and function (SIFT, PolyPhen-2, Align-GVGD) all suggest that this variant is likely to be tolerated. In summary, the available evidence is currently insufficient to determine the role of this variant in disease. Therefore, it has been classified as a Variant of Uncertain Significance.

NM_000081.4(LYST):c.6595G>T (p.Val2199Leu)

Gene: LYST (lysosomal trafficking regulator; minus strand). Cytogenetic location: 1q42.3.
Variant type: single nucleotide variant.
Coding change: c.6595G>T on transcript NM_000081.4 (MANE Select); coding-DNA position 6595, G replaced by T.
Protein change: p.Val2199Leu; replaces valine 2199 with leucine.
Molecular consequence: missense variant.
Genome position (GRCh38, 1-based): chr1:235,759,258, C>A on the plus strand (G>T on the coding strand, the complement: LYST is on the minus strand). VCF-style: chr1-235759258-C-A. GRCh37 (hg19) VCF-style: chr1-235922558-C-A.
Other names: c.6595G>T, p.Val2199Leu (NM_001301365.1); short protein forms V2199L.
Identifiers: ClinVar variation 1973294 (VCV001973294.2), dbSNP rs1051027472, ClinGen allele CA344940565.